The following is an entry in ClinVar:

NM_001135556.2(DYNC1I1):c.907G>A (p.Val303Met)

Gene: DYNC1I1 (dynein cytoplasmic 1 intermediate chain 1; plus strand). Cytogenetic location: 7q21.3.
Variant type: single nucleotide variant.
Coding change: c.907G>A on transcript NM_001135556.2 (MANE Select); coding-DNA position 907, G replaced by A.
Protein change: p.Val303Met; replaces valine 303 with methionine.
Molecular consequence: missense variant.
Genome position (GRCh38, 1-based): chr7:95,996,011, G>A. VCF-style: chr7-95996011-G-A. GRCh37 (hg19) VCF-style: chr7-95625323-G-A.
Other names: c.847G>A, p.Val283Met (NM_001135557.2, NM_001278422.2); c.898G>A, p.Val300Met (NM_001278421.2); c.958G>A, p.Val320Met (NM_004411.5); c.958G>A (NM_004411.4); short protein forms V283M, V300M, V303M, V320M.
Identifiers: ClinVar variation 2190844 (VCV002190844.6), dbSNP rs147131803, ClinGen allele CA4352396.

ClinVar aggregate classification (germline): Uncertain significance. Review status: criteria provided, multiple submitters, no conflicts (2 of 4 stars). 2 submissions from 2 submitters: Uncertain significance (2). Last evaluated 2025-03-31.

Allele frequency attached by ClinVar (database versions not stated): ExAC 0.00001; gnomAD exomes 0.00001; gnomAD 0.00007; ESP Exome Variant Server 0.00008; TOPMed 0.00011.

Submissions (2):

Labcorp Genetics (formerly Invitae), Labcorp
Classification: Uncertain significance. Last evaluated: 2025-03-31. Review status: criteria provided, single submitter. Criteria: Invitae Variant Classification Sherloc (09022015). Collection method: clinical testing. Allele origin: germline.
Comment: This sequence change replaces valine, which is neutral and non-polar, with methionine, which is neutral and non-polar, at codon 320 of the DYNC1I1 protein (p.Val320Met). This variant is present in population databases (rs147131803, gnomAD 0.02%). This variant has not been reported in the literature in individuals affected with DYNC1I1-related conditions. ClinVar contains an entry for this variant (Variation ID: 2190844). An algorithm developed to predict the effect of missense changes on protein structure and function (PolyPhen-2) suggests that this variant is likely to be disruptive. In summary, the available evidence is currently insufficient to determine the role of this variant in disease. Therefore, it has been classified as a Variant of Uncertain Significance.

Ambry Genetics
Classification: Uncertain significance. Last evaluated: 2024-12-09. Review status: criteria provided, single submitter. Criteria: Ambry Variant Classification Scheme 2023. Collection method: clinical testing. Allele origin: germline.